The following is an entry in ClinVar:

ClinVar aggregate classification (germline): Uncertain significance (1 of 4 stars; one submission).

Submission:

Women's Health and Genetics/Laboratory Corporation of America, LabCorp
Classification: Uncertain significance. Last evaluated: 2021-01-08. Review status: criteria provided, single submitter. Criteria: LabCorp Variant Classification Summary - May 2015. Collection method: clinical testing. Allele origin: germline.
Comment: Variant summary: CFTR c.1210-15G>A alters a non-conserved nucleotide located close to a canonical splice site and therefore could affect mRNA splicing, leading to a significantly altered protein sequence. 4/4 computational tools predict no significant impact on normal splicing. However, these predictions have yet to be confirmed by functional studies. The variant was absent in 240560 control chromosomes. The available data on variant occurrences in the general population are insufficient to allow any conclusion about variant significance. To our knowledge, no occurrence of c.1210-15G>A in individuals affected with Chronic Pancreatitis Risk and no experimental evidence demonstrating its impact on protein function have been reported. One clinical diagnostic laboratory has submitted clinical-significance assessments for this variant to ClinVar after 2014 without evidence for independent evaluation and cited the variant as likely benign. Based on the evidence outlined above, the variant was classified as uncertain significance.

NM_000492.4(CFTR):c.1210-15G>A

Genes: CFTR (CF transmembrane conductance regulator; plus strand), CFTR-AS1 (CFTR antisense RNA 1; minus strand). Cytogenetic location: 7q31.2.
Variant type: single nucleotide variant.
Coding change: c.1210-15G>A on transcript NM_000492.4 (MANE Select); 15 bases into the intron before coding-DNA position 1210, G replaced by A.
Molecular consequence: intron variant.
Genome position (GRCh38, 1-based): chr7:117,548,626, G>A. VCF-style: chr7-117548626-G-A. GRCh37 (hg19) VCF-style: chr7-117188680-G-A.
Identifiers: ClinVar variation 996222 (VCV000996222.1), dbSNP rs947648829, ClinGen allele CA1737369387.